The following is an entry in ClinVar:

ClinVar aggregate classification (germline): Uncertain significance (1 of 4 stars; one submission).

Submission:

Labcorp Genetics (formerly Invitae), Labcorp
Classification: Uncertain significance. Last evaluated: 2022-03-15. Review status: criteria provided, single submitter. Criteria: Invitae Variant Classification Sherloc (09022015). Collection method: clinical testing. Allele origin: germline.
Comment: In summary, the available evidence is currently insufficient to determine the role of this variant in disease. Therefore, it has been classified as a Variant of Uncertain Significance. Algorithms developed to predict the effect of missense changes on protein structure and function are either unavailable or do not agree on the potential impact of this missense change (SIFT: "Deleterious"; PolyPhen-2: "Possibly Damaging"; Align-GVGD: "Class C0"). This variant has not been reported in the literature in individuals affected with APOL1-related conditions. This variant is not present in population databases (gnomAD no frequency). This sequence change replaces phenylalanine, which is neutral and non-polar, with serine, which is neutral and polar, at codon 97 of the APOL1 protein (p.Phe97Ser).

NM_003661.4(APOL1):c.290T>C (p.Phe97Ser)

Gene: APOL1 (apolipoprotein L1; plus strand). Cytogenetic location: 22q12.3.
Variant type: single nucleotide variant.
Coding change: c.290T>C on transcript NM_003661.4 (MANE Select); coding-DNA position 290, T replaced by C.
Protein change: p.Phe97Ser; replaces phenylalanine 97 with serine.
Molecular consequence: missense variant.
Genome position (GRCh38, 1-based): chr22:36,261,698, T>C. VCF-style: chr22-36261698-T-C. GRCh37 (hg19) VCF-style: chr22-36657744-T-C.
Other names: c.290T>C, p.Phe97Ser (NM_001136540.2); c.236T>C, p.Phe79Ser (NM_001136541.2, NM_001362927.2); c.338T>C, p.Phe113Ser (NM_145343.3); short protein forms F79S, F113S, F97S.
Identifiers: ClinVar variation 2112613 (VCV002112613.4), dbSNP rs2517921056, ClinGen allele CA411404034.